The following is an entry in ClinVar:

ClinVar aggregate classification (germline): Uncertain significance (1 of 4 stars; one submission).

Submission:

GeneDx
Classification: Uncertain significance. Last evaluated: 2024-07-28. Review status: criteria provided, single submitter. Criteria: GeneDx Variant Classification Process June 2021. Collection method: clinical testing. Allele origin: germline. Affected: yes.
Comment: Frameshift variant predicted to result in protein truncation or nonsense mediated decay in a gene or region of a gene for which loss of function is not a well-established mechanism of disease; Not observed at significant frequency in large population cohorts (gnomAD); Has not been previously published as pathogenic or benign to our knowledge; Variants in candidate genes are classified as variants of uncertain significance in accordance with ACMG guidelines (PMID: 25741868)

NM_003400.4(XPO1):c.2389_2396del (p.Glu797fs)

Gene: XPO1 (exportin 1; minus strand). Cytogenetic location: 2p15.
Variant type: Deletion.
Coding change: c.2389_2396del on transcript NM_003400.4 (MANE Select); coding-DNA positions 2389 to 2396, 8 bases deleted (GAACCAGA; older notation c.2389_2396delGAACCAGA).
Protein change: p.Glu797fs; shifts the reading frame from glutamic acid 797.
Molecular consequence: frameshift variant.
Genome position (GRCh38, 1-based): chr2:61,485,880-61,485,887, TCTGGTTC deleted on the plus strand (GAACCAGA on the coding strand, the reverse complement: XPO1 is on the minus strand); deleting any 8 consecutive bases within chr2:61,485,880-61,485,890 gives the same sequence; the c. name uses the placement nearest the transcript's 3' end. VCF-style (leftmost placement, unchanged base first): chr2-61485879-TTCTGGTTC-T. GRCh37 (hg19) VCF-style: chr2-61713014-TTCTGGTTC-T.
Other names: c.2254_2261del, p.Glu752fs (NM_001410799.1); short protein forms E752fs, E797fs.
Identifiers: ClinVar variation 4076647 (VCV004076647.1).
Genomic context (GRCh38, chr2:61,485,879, plus strand): 5'-TATTTCAGCTGTTATATGTCCCCCTAACTTGTTGACAATTATGGCCATAGTACTAAGCAC[TTCTGGTTC>T]TCTAGCAGCTGGGACATTTCTCTGATAATCAATGAGAACTGCATCCAACAGAGGGGGAAC-3'